The following is an entry in ClinVar:

NM_000256.3(MYBPC3):c.304C>A (p.Pro102Thr)

Gene: MYBPC3 (myosin binding protein C3; minus strand). Cytogenetic location: 11p11.2.
Variant type: single nucleotide variant.
Coding change: c.304C>A on transcript NM_000256.3 (MANE Select); coding-DNA position 304, C replaced by A.
Protein change: p.Pro102Thr; replaces proline 102 with threonine.
Molecular consequence: missense variant.
Genome position (GRCh38, 1-based): chr11:47,350,604, G>T on the plus strand (C>A on the coding strand, the complement: MYBPC3 is on the minus strand). VCF-style: chr11-47350604-G-T. GRCh37 (hg19) VCF-style: chr11-47372155-G-T.
Other names: short protein forms P102T.
Identifiers: ClinVar variation 3073697 (VCV003073697.3), dbSNP rs2495783932, ClinGen allele CA380341136.

ClinVar aggregate classification (germline): Uncertain significance. Review status: criteria provided, multiple submitters, no conflicts (2 of 4 stars). 2 submissions from 2 submitters: Uncertain significance (2). Last evaluated 2024-02-16.

Conditions:
Hypertrophic cardiomyopathy. Also called: HYPERTROPHIC MYOCARDIOPATHY. Identifiers: Orphanet 217569, MedGen C0007194, MeSH D002312, MONDO:0005045, HP:0001639.

Allele frequency attached by ClinVar (database versions not stated): gnomAD exomes 0.00001.
gnomAD v4.1: 3 of 1,500,634 alleles (0.0002%); highest among the groups gnomAD compares: Non-Finnish European, 0.00026%; no homozygotes.

Submissions (2):

Labcorp Genetics (formerly Invitae), Labcorp
Classification: Uncertain significance for Hypertrophic cardiomyopathy. Last evaluated: 2024-02-16. Review status: criteria provided, single submitter. Criteria: Invitae Variant Classification Sherloc (09022015). Collection method: clinical testing. Allele origin: germline.
Comment: This sequence change replaces proline, which is neutral and non-polar, with threonine, which is neutral and polar, at codon 102 of the MYBPC3 protein (p.Pro102Thr). This variant is not present in population databases (gnomAD no frequency). This variant has not been reported in the literature in individuals affected with MYBPC3-related conditions. An algorithm developed to predict the effect of missense changes on protein structure and function (PolyPhen-2) suggests that this variant is likely to be tolerated. In summary, the available evidence is currently insufficient to determine the role of this variant in disease. Therefore, it has been classified as a Variant of Uncertain Significance.

All of Us Research Program, National Institutes of Health
Classification: Uncertain significance for Hypertrophic cardiomyopathy. Last evaluated: 2023-10-06. Review status: criteria provided, single submitter. Criteria: ACMG Guidelines, 2015. Collection method: clinical testing. Allele origin: germline. Inheritance: Autosomal dominant inheritance. Observed: 1 variant allele, 1 heterozygote.
Comment: This missense variant replaces proline with threonine at codon 102 of the MYBPC3 protein. Computational prediction suggests that this variant may not impact protein structure and function (internally defined REVEL score threshold <= 0.5, PMID: 27666373). To our knowledge, functional studies have not been reported for this variant. This variant has not been reported in individuals affected with MYBPC3-related disorders in the literature. This variant has not been identified in the general population by the Genome Aggregation Database (gnomAD). The available evidence is insufficient to determine the role of this variant in disease conclusively. Therefore, this variant is classified as a Variant of Uncertain Significance.

This study involves interpretation of variants in research participants for the purpose of population health screening. Participant phenotype was not available at the time of variant classification. Additional details can be found in publication PMID: 35346344, PMCID: PMC8962531